The following is an entry in ClinVar:

GRCh38/hg38 Yp11.2-q11.223(chrY:2788370-20525326)x2

Genes: AMELY (amelogenin Y-linked; minus strand), CDY2A (chromodomain Y-linked 2A; plus strand), CDY2B (chromodomain Y-linked 2B; minus strand), DDX3Y (DEAD-box helicase 3 Y-linked; plus strand), FAM197Y1P (family with sequence similarity 197 Y-linked member 1, pseudogene) and 83 more. Cytogenetic location: Yp11.2-q11.223.
Variant type: copy number gain.
Change: copy number 2 of chrY:2,788,370-20,525,326 (17.74 Mb, GRCh38 coordinates, 1-based), cytogenetic band Yp11.2-q11.223.
Identifiers: ClinVar variation 57173 (VCV000057173.1).

ClinVar aggregate classification (germline): Pathogenic (1 of 4 stars; one submission).

Submission:

ISCA site 4
Classification: Pathogenic. Last evaluated: 2011-08-12. Review status: criteria provided, single submitter. Criteria: Kaminsky et al. (Genet Med. 2011). Collection method: clinical testing. Allele origin: unknown. Affected: yes. Observed: 1 variant allele.
Comment: Copy number variation identified through the course of routine clinical cytogenomic testing in postnatal populations. Clinical assertions have been curated as described in Kaminsky et al. 2011.